The following is an entry in ClinVar:

ClinVar aggregate classification (germline): Benign. Review status: criteria provided, single submitter (1 of 4 stars). 2 submissions from 2 submitters: Benign (1). 1 of the submissions does not count toward it. Last evaluated 2025-12-15.

Conditions:
GP6-related disorder. Also called: GP6-related condition.

Allele frequency attached by ClinVar (database versions not stated): gnomAD exomes 0.00013; ExAC 0.00032; gnomAD 0.00041; TOPMed 0.00045.
gnomAD v4.1: 140 of 694,140 alleles (0.02%); highest among the groups gnomAD compares: African/African-American, 0.11%; no homozygotes.

Submissions (2):

Labcorp Genetics (formerly Invitae), Labcorp
Classification: Benign. Last evaluated: 2025-12-15. Review status: criteria provided, single submitter. Criteria: Invitae Variant Classification Sherloc (09022015). Collection method: clinical testing. Allele origin: germline.

PreventionGenetics, part of Exact Sciences
Classification: Likely benign for GP6-related condition. Last evaluated: 2019-10-28. Review status: no assertion criteria provided. Collection method: clinical testing. Allele origin: germline. Not counted in ClinVar's aggregate classification.
Comment: This variant is classified as likely benign based on ACMG/AMP sequence variant interpretation guidelines (Richards et al. 2015 PMID: 25741868, with internal and published modifications).

NM_016363.5(GP6):c.*782G>A

Gene: GP6 (glycoprotein VI platelet; minus strand). Cytogenetic location: 19q13.42.
Variant type: single nucleotide variant.
Coding change: c.*782G>A on transcript NM_016363.5 (MANE Select); 782 bases downstream of the stop codon, G replaced by A.
Molecular consequence: 3 prime UTR variant. On other transcripts: synonymous variant (1).
Genome position (GRCh38, 1-based): chr19:55,014,139, C>T on the plus strand (G>A on the coding strand, the complement: GP6 is on the minus strand). VCF-style: chr19-55014139-C-T. GRCh37 (hg19) VCF-style: chr19-55525507-C-T.
Other names: c.1806G>A, p.Thr602= (NM_001083899.2); c.*782G>A (NM_001256017.2).
Identifiers: ClinVar variation 2077536 (VCV002077536.6), dbSNP rs775183932, ClinGen allele CA310120996.
Genomic context (GRCh38, chr19:55,014,139, plus strand): 5'-TGATCAAATCAGGGTAATTGACATATTCATCCCTGTATTTTTTGAGACAAAGTCAGGCTT[C>T]GTCACCCGAGCTAGAGTGCAGTGGTGTGATCTCAGCTCACTGCAACCTCTGCCTCCCAGG-3'